The following is an entry in ClinVar:

NM_003998.4(NFKB1):c.740A>G (p.Asn247Ser)

Gene: NFKB1 (nuclear factor kappa B subunit 1; plus strand). Cytogenetic location: 4q24.
Variant type: single nucleotide variant.
Coding change: c.740A>G on transcript NM_003998.4 (MANE Select); coding-DNA position 740, A replaced by G.
Protein change: p.Asn247Ser; replaces asparagine 247 with serine.
Molecular consequence: missense variant.
Genome position (GRCh38, 1-based): chr4:102,580,544, A>G. VCF-style: chr4-102580544-A-G. GRCh37 (hg19) VCF-style: chr4-103501701-A-G.
Other names: c.737A>G, p.Asn246Ser (NM_001165412.2, NM_001319226.2, NM_001382627.1); c.740A>G, p.Asn247Ser (NM_001382625.1, NM_001382626.1); c.698A>G, p.Asn233Ser (NM_001382628.1); c.740A>G (NM_003998.3); short protein forms N247S, N233S, N246S.
Identifiers: ClinVar variation 1440608 (VCV001440608.7), dbSNP rs1369756216, ClinGen allele CA357959949.

ClinVar aggregate classification (germline): Uncertain significance. Review status: criteria provided, multiple submitters, no conflicts (2 of 4 stars). 2 submissions from 2 submitters: Uncertain significance (2). Last evaluated 2025-03-16.

Conditions:
NFKB1-related disorder. Also called: NFKB1-related condition.

Allele frequency attached by ClinVar (database versions not stated): gnomAD exomes 0.00001; gnomAD 0.00002; TOPMed 0.00002.
gnomAD v4.1: 16 of 1,613,752 alleles (0.00099%); highest among the groups gnomAD compares: African/African-American, 0.0013%; no homozygotes.

Submissions (2):

Labcorp Genetics (formerly Invitae), Labcorp
Classification: Uncertain significance. Last evaluated: 2025-03-16. Review status: criteria provided, single submitter. Criteria: Invitae Variant Classification Sherloc (09022015). Collection method: clinical testing. Allele origin: germline.
Comment: This sequence change replaces asparagine, which is neutral and polar, with serine, which is neutral and polar, at codon 247 of the NFKB1 protein (p.Asn247Ser). This variant is present in population databases (no rsID available, gnomAD 0.003%). This variant has not been reported in the literature in individuals affected with NFKB1-related conditions. ClinVar contains an entry for this variant (Variation ID: 1440608). Invitae Evidence Modeling of protein sequence and biophysical properties (such as structural, functional, and spatial information, amino acid conservation, physicochemical variation, residue mobility, and thermodynamic stability) indicates that this missense variant is not expected to disrupt NFKB1 protein function with a negative predictive value of 80%. In summary, the available evidence is currently insufficient to determine the role of this variant in disease. Therefore, it has been classified as a Variant of Uncertain Significance.

PreventionGenetics, part of Exact Sciences
Classification: Uncertain significance for NFKB1-related condition. Last evaluated: 2025-02-05. Review status: criteria provided, single submitter. Criteria: ACMG Guidelines, 2015. Collection method: clinical testing. Allele origin: germline.
Comment: The NFKB1 c.740A>G variant is predicted to result in the amino acid substitution p.Asn247Ser. To our knowledge, this variant has not been reported in the literature. This variant is reported in 0.0031% of alleles in individuals of European (Non-Finnish) descent in gnomAD. At this time, the clinical significance of this variant is uncertain due to the absence of conclusive functional and genetic evidence.